The following is an entry in ClinVar:

NM_183357.3(ADCY5):c.2619_2620delinsAC (p.Ser874Arg)

Gene: ADCY5 (adenylate cyclase 5; minus strand). Cytogenetic location: 3q21.1.
Variant type: Indel.
Coding change: c.2619_2620delinsAC on transcript NM_183357.3 (MANE Select); coding-DNA positions 2619 to 2620, GA replaced by AC.
Protein change: p.Ser874Arg; replaces serine 874 with arginine.
Molecular consequence: missense variant.
Genome position (GRCh38, 1-based): chr3:123,303,159-123,303,160, TC replaced by GT on the plus strand (GA replaced by AC on the coding strand, the reverse complement: ADCY5 is on the minus strand). VCF-style: chr3-123303159-TC-GT. GRCh37 (hg19) VCF-style: chr3-123022006-TC-GT.
Other names: c.1569_1570delinsAC, p.Ser524Arg (NM_001199642.1); c.2619_2620delinsAC, p.Ser874Arg (NM_001378259.1); short protein forms S524R, S874R.
Identifiers: ClinVar variation 1415204 (VCV001415204.8), dbSNP rs2108264288, ClinGen allele CA2573136410.

ClinVar aggregate classification (germline): Uncertain significance (1 of 4 stars; one submission).

Submission:

Labcorp Genetics (formerly Invitae), Labcorp
Classification: Uncertain significance. Last evaluated: 2024-02-23. Review status: criteria provided, single submitter. Criteria: Invitae Variant Classification Sherloc (09022015). Collection method: clinical testing. Allele origin: germline.
Comment: This sequence change replaces serine, which is neutral and polar, with arginine, which is basic and polar, at codon 874 of the ADCY5 protein (p.Ser874Arg). Information on the frequency of this variant in the gnomAD database is not available, as this variant may be reported differently in the database. This variant has not been reported in the literature in individuals affected with ADCY5-related conditions. ClinVar contains an entry for this variant (Variation ID: 1415204). Experimental studies and prediction algorithms are not available or were not evaluated, and the functional significance of this variant is currently unknown. In summary, the available evidence is currently insufficient to determine the role of this variant in disease. Therefore, it has been classified as a Variant of Uncertain Significance.